The following is an entry in ClinVar:

NM_001905.4(CTPS1):c.472C>T (p.Pro158Ser)

Gene: CTPS1 (CTP synthase 1; plus strand). Cytogenetic location: 1p34.2.
Variant type: single nucleotide variant.
Coding change: c.472C>T on transcript NM_001905.4 (MANE Select); coding-DNA position 472, C replaced by T.
Protein change: p.Pro158Ser; replaces proline 158 with serine.
Molecular consequence: missense variant. On other transcripts: non-coding transcript variant (1).
Genome position (GRCh38, 1-based): chr1:40,988,627, C>T. VCF-style: chr1-40988627-C-T. GRCh37 (hg19) VCF-style: chr1-41454299-C-T.
Other names: c.4C>T, p.Pro2Ser (NM_001301237.2); short protein forms P2S, P158S.
Identifiers: ClinVar variation 649485 (VCV000649485.9), dbSNP rs140029453, ClinGen allele CA795259.

ClinVar aggregate classification (germline): Uncertain significance. Review status: criteria provided, multiple submitters, no conflicts (2 of 4 stars). 2 submissions from 2 submitters: Uncertain significance (2). Last evaluated 2022-10-03.

Conditions:
Combined immunodeficiency due to CTPS1 deficiency. Also called: Immunodeficiency 24; Severe combined immunodeficiency due to CTPS1 deficiency. Identifiers: Orphanet 420573, MedGen C4014617, MONDO:0014391, OMIM 615897.

Allele frequency attached by ClinVar (database versions not stated): ExAC 0.00002; gnomAD exomes 0.00004; gnomAD 0.00007 and 0.00008; TOPMed 0.00007; ESP Exome Variant Server 0.00008.
gnomAD v4.1: 235 of 1,613,932 alleles (0.015%); highest among the groups gnomAD compares: Non-Finnish European, 0.019%; 1 homozygote.

Submissions (2):

Labcorp Genetics (formerly Invitae), Labcorp
Classification: Uncertain significance for Combined immunodeficiency due to CTPS1 deficiency. Last evaluated: 2022-10-03. Review status: criteria provided, single submitter. Criteria: Invitae Variant Classification Sherloc (09022015). Collection method: clinical testing. Allele origin: germline.
Comment: This sequence change replaces proline, which is neutral and non-polar, with serine, which is neutral and polar, at codon 158 of the CTPS1 protein (p.Pro158Ser). This variant is present in population databases (rs140029453, gnomAD 0.007%). This variant has not been reported in the literature in individuals affected with CTPS1-related conditions. ClinVar contains an entry for this variant (Variation ID: 649485). Algorithms developed to predict the effect of missense changes on protein structure and function are either unavailable or do not agree on the potential impact of this missense change (SIFT: "Tolerated"; PolyPhen-2: "Possibly Damaging"; Align-GVGD: "Class C0"). In summary, the available evidence is currently insufficient to determine the role of this variant in disease. Therefore, it has been classified as a Variant of Uncertain Significance.

Genetic Services Laboratory, University of Chicago
Classification: Uncertain significance. Last evaluated: 2021-12-08. Review status: criteria provided, single submitter. Criteria: ACMG Guidelines, 2015. Collection method: clinical testing. Allele origin: germline. Affected: no.
Comment: DNA sequence analysis of the CTPS1 gene demonstrated a sequence change, c.472C>T, in exon 5 that results in an amino acid change, p.Pro158Ser. This sequence change has been described in the gnomAD database with a frequency of 0.009% in the non-Finnish European subpopulation (dbSNP rs140029453). The p.Pro158Ser change affects a highly conserved amino acid residue located in a domain of the CTPS1 protein that is known to be functional. In-silico pathogenicity prediction tools (SIFT, PolyPhen2, Align GVGD, REVEL) provide contradictory results for the p.Pro158Ser substitution. This sequence change does not appear to have been previously described in individuals with CTPS1-related disorders. Due to insufficient evidences and the lack of functional studies, the clinical significance of the p.Pro158Ser change remains unknown at this time.